The following is an entry in ClinVar:

ClinVar aggregate classification (germline): Uncertain significance (1 of 4 stars; one submission).

Submission:

Mayo Clinic Laboratories, Mayo Clinic
Classification: Uncertain significance. Last evaluated: 2025-10-09. Review status: criteria provided, single submitter. Criteria: ACMG Guidelines, 2015. Collection method: clinical testing. Allele origin: germline. Observed: 1 variant allele.
Comment: BP4_moderate, PM2_supporting

NM_001267550.2(TTN):c.69011T>C (p.Met23004Thr)

Genes: TTN (titin; minus strand), TTN-AS1 (TTN antisense RNA 1; plus strand). Cytogenetic location: 2q31.2.
Variant type: single nucleotide variant.
Coding change: c.69011T>C on transcript NM_001267550.2 (MANE Select); coding-DNA position 69011, T replaced by C.
Protein change: p.Met23004Thr; replaces methionine 23004 with threonine.
Molecular consequence: missense variant.
Genome position (GRCh38, 1-based): chr2:178,577,324, A>G on the plus strand (T>C on the coding strand, the complement: TTN is on the minus strand). VCF-style: chr2-178577324-A-G. GRCh37 (hg19) VCF-style: chr2-179442051-A-G.
Other names: p.Met20436Thr; c.64088T>C, p.Met21363Thr (NM_001256850.1); c.41816T>C, p.Met13939Thr (NM_003319.4); c.61307T>C, p.Met20436Thr (NM_133378.4); c.42191T>C, p.Met14064Thr (NM_133432.3); c.42392T>C, p.Met14131Thr (NM_133437.4); short protein forms M21363T, M13939T, M20436T, M14064T, M14131T, M23004T.
Identifiers: ClinVar variation 4540723 (VCV004540723.1).